The following is an entry in ClinVar:

ClinVar aggregate classification (germline): Uncertain significance. Review status: criteria provided, multiple submitters, no conflicts (2 of 4 stars). 2 submissions from 2 submitters: Uncertain significance (2). Last evaluated 2022-11-28.

Conditions:
Familial focal epilepsy with variable foci (FPEVF). Identifiers: Orphanet 98820, MedGen C1858477, MONDO:0020310.

Allele frequency attached by ClinVar (database versions not stated): TOPMed below 0.00001.
gnomAD v4.1: 12 of 1,613,712 alleles (0.00074%); highest among the groups gnomAD compares: Non-Finnish European, 0.00085%; no homozygotes.

Submissions (2):

Labcorp Genetics (formerly Invitae), Labcorp
Classification: Uncertain significance for Familial focal epilepsy with variable foci. Last evaluated: 2022-11-28. Review status: criteria provided, single submitter. Criteria: Invitae Variant Classification Sherloc (09022015). Collection method: clinical testing. Allele origin: germline.
Comment: This sequence change replaces glutamic acid, which is acidic and polar, with glutamine, which is neutral and polar, at codon 133 of the DEPDC5 protein (p.Glu133Gln). This variant is not present in population databases (gnomAD no frequency). This variant has not been reported in the literature in individuals affected with DEPDC5-related conditions. ClinVar contains an entry for this variant (Variation ID: 1047489). Algorithms developed to predict the effect of missense changes on protein structure and function are either unavailable or do not agree on the potential impact of this missense change (SIFT: "Deleterious"; PolyPhen-2: "Not Available"; Align-GVGD: "Class C25"). In summary, the available evidence is currently insufficient to determine the role of this variant in disease. Therefore, it has been classified as a Variant of Uncertain Significance.

GeneDx
Classification: Uncertain significance. Last evaluated: 2021-01-07. Review status: criteria provided, single submitter. Criteria: GeneDx Variant Classification Process June 2021. Collection method: clinical testing. Allele origin: germline. Affected: yes.
Comment: Not observed in large population cohorts (Lek et al., 2016); In silico analysis supports that this missense variant has a deleterious effect on protein structure/function; Has not been previously published as pathogenic or benign to our knowledge

NM_001242896.3(DEPDC5):c.397G>C (p.Glu133Gln)

Gene: DEPDC5 (DEP domain containing 5, GATOR1 subcomplex subunit; plus strand). Cytogenetic location: 22q12.2.
Variant type: single nucleotide variant.
Coding change: c.397G>C on transcript NM_001242896.3 (MANE Select); coding-DNA position 397, G replaced by C.
Protein change: p.Glu133Gln; replaces glutamic acid 133 with glutamine.
Molecular consequence: missense variant. On other transcripts: non-coding transcript variant (5).
Genome position (GRCh38, 1-based): chr22:31,768,847, G>C. VCF-style: chr22-31768847-G-C. GRCh37 (hg19) VCF-style: chr22-32164833-G-C.
Other names: c.397G>C, p.Glu133Gln (NM_001007188.4, NM_001136029.4, NM_001242897.2 and 7 more transcripts); c.313G>C, p.Glu105Gln (NM_001369901.1, NM_001369902.1); short protein forms E105Q, E133Q.
Identifiers: ClinVar variation 1047489 (VCV001047489.10), dbSNP rs1341691013, ClinGen allele CA411283347.